The following is an entry in ClinVar:

ClinVar aggregate classification (germline): Uncertain significance (1 of 4 stars; one submission).

Conditions:
Hajdu-Cheney syndrome (HJCYS). Also called: ACROOSTEOLYSIS WITH OSTEOPOROSIS AND CHANGES IN SKULL AND MANDIBLE; SERPENTINE FIBULA-POLYCYSTIC KIDNEY SYNDROME; Acroosteolysis dominant type. Identifiers: Orphanet 955, MedGen C0917715, MONDO:0007057, OMIM 102500.

Submission:

Labcorp Genetics (formerly Invitae), Labcorp
Classification: Uncertain significance for Hajdu-Cheney syndrome. Last evaluated: 2023-11-17. Review status: criteria provided, single submitter. Criteria: Invitae Variant Classification Sherloc (09022015). Collection method: clinical testing. Allele origin: germline.
Comment: This sequence change replaces isoleucine, which is neutral and non-polar, with methionine, which is neutral and non-polar, at codon 594 of the NOTCH2 protein (p.Ile594Met). This variant is not present in population databases (gnomAD no frequency). This variant has not been reported in the literature in individuals affected with NOTCH2-related conditions. Advanced modeling of protein sequence and biophysical properties (such as structural, functional, and spatial information, amino acid conservation, physicochemical variation, residue mobility, and thermodynamic stability) performed at Invitae indicates that this missense variant is not expected to disrupt NOTCH2 protein function with a negative predictive value of 95%. In summary, the available evidence is currently insufficient to determine the role of this variant in disease. Therefore, it has been classified as a Variant of Uncertain Significance.

NM_024408.4(NOTCH2):c.1782C>G (p.Ile594Met)

Gene: NOTCH2 (notch receptor 2; minus strand). Cytogenetic location: 1p12.
Variant type: single nucleotide variant.
Coding change: c.1782C>G on transcript NM_024408.4 (MANE Select); coding-DNA position 1782, C replaced by G.
Protein change: p.Ile594Met; replaces isoleucine 594 with methionine.
Molecular consequence: missense variant.
Genome position (GRCh38, 1-based): chr1:119,963,707, G>C on the plus strand (C>G on the coding strand, the complement: NOTCH2 is on the minus strand). VCF-style: chr1-119963707-G-C. GRCh37 (hg19) VCF-style: chr1-120506330-G-C.
Other names: c.1782C>G, p.Ile594Met (NM_001200001.2); short protein forms I594M.
Identifiers: ClinVar variation 2696834 (VCV002696834.3), dbSNP rs2101137075, ClinGen allele CA341873495.